The following is an entry in ClinVar:

NM_001032283.3(TMPO):c.565+1606C>T

Gene: TMPO (thymopoietin; plus strand). Cytogenetic location: 12q23.1.
Variant type: single nucleotide variant.
Coding change: c.565+1606C>T on transcript NM_001032283.3 (MANE Select); 1606 bases into the intron after coding-DNA position 565, C replaced by T.
Molecular consequence: intron variant. On other transcripts: missense variant (1).
Genome position (GRCh38, 1-based): chr12:98,533,444, C>T. VCF-style: chr12-98533444-C-T. GRCh37 (hg19) VCF-style: chr12-98927222-C-T.
Other names: c.1187C>T, p.Thr396Ile (NM_003276.2); c.565+1606C>T (NM_001307975.2, NM_001032284.3); short protein forms T396I.
Identifiers: ClinVar variation 179678 (VCV000179678.5), dbSNP rs727505047, ClinGen allele CA184913.

ClinVar aggregate classification (germline): Uncertain significance (1 of 4 stars; one submission).

Allele frequency attached by ClinVar (database versions not stated): gnomAD exomes 0.00001.
gnomAD v4.1: 15 of 1,614,188 alleles (0.00093%); highest among the groups gnomAD compares: Non-Finnish European, 0.0013%; no homozygotes.

Submission:

Laboratory for Molecular Medicine, Mass General Brigham Personalized Medicine
Classification: Uncertain significance. Last evaluated: 2014-03-21. Review status: criteria provided, single submitter. Criteria: LMM Criteria. Collection method: clinical testing. Allele origin: germline. Observed: 1 variant allele.
Comment: The Thr396Ile variant in the TMPO gene has not been previously reported in indiv iduals with cardiomyopathy and was absent from large population studies. Computa tional prediction tools and conservation analysis suggest that the Thr396Ile var iant may not impact the protein, though this information is not predictive enoug h to rule out pathogenicity. Additional studies are needed to fully assess the c linical significance of this variant.